The following is an entry in ClinVar:

ClinVar aggregate classification (germline): Likely benign. Review status: criteria provided, multiple submitters, no conflicts (2 of 4 stars). 2 submissions from 2 submitters: Likely benign (2). Last evaluated 2023-11-28.

Conditions:
Dilated cardiomyopathy 1J (CMD1J). Also called: CARDIOMYOPATHY, DILATED, WITH SENSORINEURAL HEARING LOSS, AUTOSOMAL DOMINANT. Identifiers: Orphanet 217622, MedGen C1854368, MONDO:0011541, OMIM 605362.

Allele frequency attached by ClinVar (database versions not stated): gnomAD exomes below 0.00001.
gnomAD v4.1: 2 of 1,613,894 alleles (0.00012%); highest among the groups gnomAD compares: Admixed American, 0.0033%; no homozygotes.

Submissions (2):

Labcorp Genetics (formerly Invitae), Labcorp
Classification: Likely benign for Dilated cardiomyopathy 1J. Last evaluated: 2023-11-28. Review status: criteria provided, single submitter. Criteria: Invitae Variant Classification Sherloc (09022015). Collection method: clinical testing. Allele origin: germline.

Laboratory for Molecular Medicine, Mass General Brigham Personalized Medicine
Classification: Likely benign. Last evaluated: 2013-11-26. Review status: criteria provided, single submitter. Criteria: LMM Criteria. Collection method: clinical testing. Allele origin: germline. Observed: 1 variant allele.
Comment: Ala79Ala in exon 5 of EYA4: This variant is not expected to have clinical signif icance because it does not alter an amino acid residue and is not located within the splice consensus sequence.

NM_004100.5(EYA4):c.237A>G (p.Ala79=)

Gene: EYA4 (EYA transcriptional coactivator and phosphatase 4; plus strand). Cytogenetic location: 6q23.2.
Variant type: single nucleotide variant.
Coding change: c.237A>G on transcript NM_004100.5 (MANE Select); coding-DNA position 237, A replaced by G.
Protein change: p.Ala79=; no amino-acid change (alanine 79 retained).
Molecular consequence: synonymous variant. On other transcripts: intron variant (4).
Genome position (GRCh38, 1-based): chr6:133,448,139, A>G. VCF-style: chr6-133448139-A-G. GRCh37 (hg19) VCF-style: chr6-133769277-A-G.
Other names: c.237A>G, p.Ala79= (NM_001301013.2, NM_172105.4); c.208+1385A>G (NM_001370458.1, NM_172103.4, NM_001370459.1 and 1 more transcripts).
Identifiers: ClinVar variation 179394 (VCV000179394.11), dbSNP rs727504840, ClinGen allele CA184338.